The following is an entry in ClinVar:

ClinVar aggregate classification (germline): Uncertain significance (1 of 4 stars; one submission).

Submission:

Labcorp Genetics (formerly Invitae), Labcorp
Classification: Uncertain significance. Last evaluated: 2024-02-17. Review status: criteria provided, single submitter. Criteria: Invitae Variant Classification Sherloc (09022015). Collection method: clinical testing. Allele origin: germline.
Comment: This sequence change replaces alanine, which is neutral and non-polar, with threonine, which is neutral and polar, at codon 1167 of the SZT2 protein (p.Ala1167Thr). This variant is not present in population databases (gnomAD no frequency). This variant has not been reported in the literature in individuals affected with SZT2-related conditions. ClinVar contains an entry for this variant (Variation ID: 1513152). Advanced modeling of protein sequence and biophysical properties (such as structural, functional, and spatial information, amino acid conservation, physicochemical variation, residue mobility, and thermodynamic stability) performed at Invitae indicates that this missense variant is not expected to disrupt SZT2 protein function with a negative predictive value of 80%. In summary, the available evidence is currently insufficient to determine the role of this variant in disease. Therefore, it has been classified as a Variant of Uncertain Significance.

NM_001365999.1(SZT2):c.3670G>A (p.Ala1224Thr)

Gene: SZT2 (SZT2 subunit of KICSTOR complex; plus strand). Cytogenetic location: 1p34.2.
Variant type: single nucleotide variant.
Coding change: c.3670G>A on transcript NM_001365999.1 (MANE Select); coding-DNA position 3670, G replaced by A.
Protein change: p.Ala1224Thr; replaces alanine 1224 with threonine.
Molecular consequence: missense variant.
Genome position (GRCh38, 1-based): chr1:43,427,601, G>A. VCF-style: chr1-43427601-G-A. GRCh37 (hg19) VCF-style: chr1-43893272-G-A.
Other names: c.3499G>A, p.Ala1167Thr (NM_015284.4); short protein forms A1167T, A1224T.
Identifiers: ClinVar variation 1513152 (VCV001513152.8), dbSNP rs1653321901, ClinGen allele CA340018797.